The following is an entry in ClinVar:

ClinVar aggregate classification (germline): Conflicting classifications of pathogenicity. Review status: criteria provided, conflicting classifications (1 of 4 stars). 2 submissions from 2 submitters: Likely pathogenic (1); Uncertain significance (1). Last evaluated 2025-12-03.

Conditions:
Factor VIII deficiency. Identifiers: MedGen C3494187, OMIM 134500.

Submissions (2):

North West Genomic Laboratory Hub, Manchester University NHS Foundation Trust
Classification: Likely pathogenic for Factor VIII deficiency. Last evaluated: 2025-12-03. Review status: criteria provided, single submitter. Criteria: ACGS Best Practice Guidelines for Variant Classification in Rare Disease 2024. Collection method: clinical testing. Allele origin: germline. Affected: yes.
Comment: PS4_Supp PP4_Mod PP3_Supp PM2_Mod

Women's Health and Genetics/Laboratory Corporation of America, LabCorp
Classification: Uncertain significance. Last evaluated: 2024-12-17. Review status: criteria provided, single submitter. Criteria: LabCorp Variant Classification Summary - May 2015. Collection method: clinical testing. Allele origin: germline.
Comment: Variant summary: F8 c.5156T>C (p.Ile1719Thr) results in a non-conservative amino acid change in the encoded protein sequence. Five of five in-silico tools predict a damaging effect of the variant on protein function. The variant was absent in 180845 control chromosomes. The available data on variant occurrences in the general population are insufficient to allow any conclusion about variant significance. c.5156T>C has been reported in the literature in at least one individual affected with Factor VIII Deficiency (Hemophilia A) (Shinozawa_2021). These data do not allow any conclusion about variant significance. To our knowledge, no experimental evidence demonstrating an impact on protein function has been reported. The following publication has been ascertained in the context of this evaluation (PMID: 33254277). No submitters have cited clinical-significance assessments for this variant to ClinVar. Based on the evidence outlined above, the variant was classified as uncertain significance.

Literature cited by the submitters: PubMed 33254277 (cited by Women's Health and Genetics/Laboratory Corporation of America, LabCorp).

NM_000132.4(F8):c.5156T>C (p.Ile1719Thr)

Gene: F8 (coagulation factor VIII; minus strand). Cytogenetic location: Xq28.
Variant type: single nucleotide variant.
Coding change: c.5156T>C on transcript NM_000132.4 (MANE Select); coding-DNA position 5156, T replaced by C.
Protein change: p.Ile1719Thr; replaces isoleucine 1719 with threonine.
Molecular consequence: missense variant.
Genome position (GRCh38, 1-based): chrX:154,928,634, A>G on the plus strand (T>C on the coding strand, the complement: F8 is on the minus strand). VCF-style: chrX-154928634-A-G. GRCh37 (hg19) VCF-style: chrX-154156909-A-G.
Other names: short protein forms I1719T.
Identifiers: ClinVar variation 3768551 (VCV003768551.2).